The following is an entry in ClinVar:

NM_003579.4(RAD54L):c.1120A>G (p.Arg374Gly)

Gene: RAD54L (RAD54 like; plus strand). Cytogenetic location: 1p34.1.
Variant type: single nucleotide variant.
Coding change: c.1120A>G on transcript NM_003579.4 (MANE Select); coding-DNA position 1120, A replaced by G.
Protein change: p.Arg374Gly; replaces arginine 374 with glycine.
Molecular consequence: missense variant.
Genome position (GRCh38, 1-based): chr1:46,270,736, A>G. VCF-style: chr1-46270736-A-G. GRCh37 (hg19) VCF-style: chr1-46736408-A-G.
Other names: c.1120A>G, p.Arg374Gly (NM_001142548.2); c.580A>G, p.Arg194Gly (NM_001370766.1); short protein forms R374G, R194G.
Identifiers: ClinVar variation 2447800 (VCV002447800.2), dbSNP rs1660400565, ClinGen allele CA340175518.

ClinVar aggregate classification (germline): Uncertain significance (1 of 4 stars; one submission).

Allele frequency attached by ClinVar (database versions not stated): gnomAD exomes below 0.00001.
gnomAD v4.1: 1 of 1,614,256 alleles (0.000062%); highest among the groups gnomAD compares: Non-Finnish European, 0.000085%; no homozygotes.

Submission:

Ambry Genetics
Classification: Uncertain significance. Last evaluated: 2022-12-29. Review status: criteria provided, single submitter. Criteria: Ambry Variant Classification Scheme 2023. Collection method: clinical testing. Allele origin: germline.
Comment: The p.R374G variant (also known as c.1120A>G), located in coding exon 10 of the RAD54L gene, results from an A to G substitution at nucleotide position 1120. The arginine at codon 374 is replaced by glycine, an amino acid with dissimilar properties. This amino acid position is conserved. In addition, this alteration is predicted to be deleterious by in silico analysis. Since supporting evidence is limited at this time, the clinical significance of this alteration remains unclear.